The following is an entry in ClinVar:

NM_000038.6(APC):c.5803del (p.Gln1935fs)

Gene: APC (APC regulator of Wnt signaling pathway; plus strand). Cytogenetic location: 5q22.2.
Variant type: Deletion.
Coding change: c.5803del on transcript NM_000038.6 (MANE Select); coding-DNA position 5803, one base deleted (C; older notation c.5803delC).
Protein change: p.Gln1935fs; shifts the reading frame from glutamine 1935.
Molecular consequence: frameshift variant.
Genome position (GRCh38, 1-based): chr5:112,841,397, C deleted; the last of 4 consecutive C bases (chr5:112,841,394-112,841,397); deleting any one gives the same sequence. VCF-style (leftmost placement, unchanged base first): chr5-112841393-TC-T. GRCh37 (hg19) VCF-style: chr5-112177090-TC-T.
Other names: c.5803delC (NM_000038.5); c.5803del (NM_000038.5); c.5803del, p.Gln1935fs (NM_001127510.3, NM_001354895.2); c.5749del, p.Gln1917fs (NM_001127511.3); c.5857del, p.Gln1953fs (NM_001354896.2); c.5833del, p.Gln1945fs (NM_001354897.2); c.5728del, p.Gln1910fs (NM_001354898.2); c.5719del, p.Gln1907fs (NM_001354899.2); and 7 more; short protein forms Q1809fs, Q1876fs, Q1652fs, Q1775fs, Q1844fs, Q1910fs, Q1953fs, Q1834fs.
Identifiers: ClinVar variation 429202 (VCV000429202.10), dbSNP rs1131691253, ClinGen allele CA645369382.

ClinVar aggregate classification (germline): Pathogenic. Review status: criteria provided, multiple submitters, no conflicts (2 of 4 stars). 4 submissions from 4 submitters: Pathogenic (4). Last evaluated 2026-02-09.

Conditions:
Hereditary cancer-predisposing syndrome. Also called: Neoplastic Syndromes, Hereditary; Tumor predisposition; Hereditary neoplastic syndrome; Hereditary Cancer Syndrome. Identifiers: Orphanet 140162, MedGen C0027672, MeSH D009386, MONDO:0015356.
Familial adenomatous polyposis 1 (FAP1). Also called: FAMILIAL ADENOMATOUS POLYPOSIS 1, ATTENUATED; POLYPOSIS, ADENOMATOUS INTESTINAL. Identifiers: MedGen C2713442, MONDO:0021056, OMIM 175100. Disease mechanism: loss of function.

Submissions (4):

Ambry Genetics
Classification: Pathogenic for Hereditary cancer-predisposing syndrome. Last evaluated: 2026-02-09. Review status: criteria provided, single submitter. Criteria: Ambry Variant Classification Scheme 2023. Collection method: clinical testing. Allele origin: germline.
Comment: The c.5803delC pathogenic mutation, located in coding exon 15 of the APC gene, results from a deletion of one nucleotide at nucleotide position 5803, causing a translational frameshift with a predicted alternate stop codon (p.Q1935Sfs*35). This variant occurs at the 3' terminus of the gene, is not expected to trigger nonsense-mediated mRNA decay, and impacts the last 32% of the protein. However, premature stop codons are typically deleterious in nature and a significant portion of the protein is affected and the impacted region is critical for protein function (Ambry internal data). This variant is considered to be rare based on population cohorts in the Genome Aggregation Database (gnomAD). Based on the supporting evidence, this variant is interpreted as a disease-causing mutation.

GeneDx
Classification: Pathogenic. Last evaluated: 2025-12-22. Review status: criteria provided, single submitter. Criteria: GeneDx Variant Classification Process June 2021. Collection method: clinical testing. Allele origin: germline. Affected: yes.
Comment: Frameshift variant predicted to result in protein truncation in a gene for which loss of function is a known mechanism of disease; Not observed at significant frequency in large population cohorts (gnomAD); This variant is associated with the following publications: (PMID: 26681312)

Labcorp Genetics (formerly Invitae), Labcorp
Classification: Pathogenic for Familial adenomatous polyposis 1. Last evaluated: 2025-06-17. Review status: criteria provided, single submitter. Criteria: Invitae Variant Classification Sherloc (09022015). Collection method: clinical testing. Allele origin: germline.
Comment: This sequence change creates a premature translational stop signal (p.Gln1935Serfs*35) in the APC gene. While this is not anticipated to result in nonsense mediated decay, it is expected to disrupt the last 909 amino acid(s) of the APC protein. This variant is not present in population databases (gnomAD no frequency). This premature translational stop signal has been observed in individual(s) with colon cancer (PMID: 26681312). ClinVar contains an entry for this variant (Variation ID: 429202). This variant is expected to disrupt the EB1 and HDLG binding sites, which mediate interactions with the cytoskeleton (PMID: 15311282, 17293347). While functional studies have not been performed to directly test the effect on APC protein function, this suggests that disruption of the C-terminal portion of the protein is functionally important. A different truncation (p.Tyr2645Lysfs*14) that lies downstream of this variant has been determined to be pathogenic (PMID: 9824584, 1316610, 27081525, 8381579, 22135120, internal data). This suggests that deletion of this region of the APC protein is causative of disease. For these reasons, this variant has been classified as Pathogenic.

Myriad Genetics, Inc.
Classification: Pathogenic for Familial adenomatous polyposis 1. Last evaluated: 2023-05-15. Review status: criteria provided, single submitter. Criteria: Myriad Autosomal Dominant, Autosomal Recessive and X-Linked Classification Criteria (2023). Collection method: clinical testing. Allele origin: unknown.
Comment: This variant is considered pathogenic. This variant creates a frameshift predicted to result in premature protein truncation.

Literature cited by the submitters: PubMed 26681312 (cited by Ambry Genetics and Labcorp Genetics (formerly Invitae), Labcorp); PubMed 15311282 (cited by Labcorp Genetics (formerly Invitae), Labcorp); PubMed 17293347 (cited by Labcorp Genetics (formerly Invitae), Labcorp); PubMed 9824584 (cited by Labcorp Genetics (formerly Invitae), Labcorp); PubMed 1316610 (cited by Labcorp Genetics (formerly Invitae), Labcorp); PubMed 27081525 (cited by Labcorp Genetics (formerly Invitae), Labcorp); PubMed 8381579 (cited by Labcorp Genetics (formerly Invitae), Labcorp); PubMed 22135120 (cited by Labcorp Genetics (formerly Invitae), Labcorp).